The following is an entry in ClinVar:

NM_005529.7(HSPG2):c.5852A>T (p.His1951Leu)

Gene: HSPG2 (heparan sulfate proteoglycan 2; minus strand). Cytogenetic location: 1p36.12.
Variant type: single nucleotide variant.
Coding change: c.5852A>T on transcript NM_005529.7 (MANE Select); coding-DNA position 5852, A replaced by T.
Protein change: p.His1951Leu; replaces histidine 1951 with leucine.
Molecular consequence: missense variant.
Genome position (GRCh38, 1-based): chr1:21,855,525, T>A on the plus strand (A>T on the coding strand, the complement: HSPG2 is on the minus strand). VCF-style: chr1-21855525-T-A. GRCh37 (hg19) VCF-style: chr1-22182018-T-A.
Other names: c.5855A>T, p.His1952Leu (NM_001291860.2); short protein forms H1951L, H1952L.
Identifiers: ClinVar variation 1056987 (VCV001056987.9), dbSNP rs2152725067, ClinGen allele CA338936955.

ClinVar aggregate classification (germline): Uncertain significance (1 of 4 stars; one submission).

gnomAD v4.1: 1 of 1,609,488 alleles (0.000062%); highest among the groups gnomAD compares: South Asian, 0.0011%; no homozygotes.

Submission:

Labcorp Genetics (formerly Invitae), Labcorp
Classification: Uncertain significance. Last evaluated: 2020-07-16. Review status: criteria provided, single submitter. Criteria: Invitae Variant Classification Sherloc (09022015). Collection method: clinical testing. Allele origin: germline.
Comment: This sequence change replaces histidine with leucine at codon 1951 of the HSPG2 protein (p.His1951Leu). The histidine residue is weakly conserved and there is a moderate physicochemical difference between histidine and leucine. This variant is not present in population databases (ExAC no frequency). This variant has not been reported in the literature in individuals with HSPG2-related conditions. Algorithms developed to predict the effect of missense changes on protein structure and function (SIFT, PolyPhen-2, Align-GVGD) all suggest that this variant is likely to be tolerated, but these predictions have not been confirmed by published functional studies and their clinical significance is uncertain. In summary, the available evidence is currently insufficient to determine the role of this variant in disease. Therefore, it has been classified as a Variant of Uncertain Significance.